The following is an entry in ClinVar:

NM_000264.5(PTCH1):c.3647G>A (p.Ser1216Asn)

Gene: PTCH1 (patched 1; minus strand). Cytogenetic location: 9q22.32.
Variant type: single nucleotide variant.
Coding change: c.3647G>A on transcript NM_000264.5 (MANE Select); coding-DNA position 3647, G replaced by A.
Protein change: p.Ser1216Asn; replaces serine 1216 with asparagine.
Molecular consequence: missense variant. On other transcripts: non-coding transcript variant (1).
Genome position (GRCh38, 1-based): chr9:95,449,226, C>T on the plus strand (G>A on the coding strand, the complement: PTCH1 is on the minus strand). VCF-style: chr9-95449226-C-T. GRCh37 (hg19) VCF-style: chr9-98211508-C-T.
Other names: c.3449G>A, p.Ser1150Asn (NM_001083602.3); c.3644G>A, p.Ser1215Asn (NM_001083603.3); c.3194G>A, p.Ser1065Asn (NM_001083604.3, NM_001083605.3, NM_001083606.3 and 1 more transcripts); c.3491G>A, p.Ser1164Asn (NM_001354918.2); short protein forms S1150N, S1216N, S1164N, S1215N, S1065N.
Identifiers: ClinVar variation 3427279 (VCV003427279.3).

ClinVar aggregate classification (germline): Conflicting classifications of pathogenicity. Review status: criteria provided, conflicting classifications (1 of 4 stars). 2 submissions from 2 submitters: Uncertain significance (1); Likely benign (1). Last evaluated 2025-03-19.

Conditions:
Gorlin syndrome. Also called: Basal cell nevus syndrome; Nevoid Basal Cell Carcinoma Syndrome. Identifiers: Orphanet 377, MedGen C0004779, MONDO:0007187.
Hereditary cancer-predisposing syndrome. Also called: Hereditary Cancer Syndrome; Hereditary neoplastic syndrome; Neoplastic Syndromes, Hereditary; Tumor predisposition. Identifiers: Orphanet 140162, MedGen C0027672, MeSH D009386, MONDO:0015356.

Submissions (2):

Labcorp Genetics (formerly Invitae), Labcorp
Classification: Uncertain significance for Gorlin syndrome. Last evaluated: 2025-03-19. Review status: criteria provided, single submitter. Criteria: Invitae Variant Classification Sherloc (09022015). Collection method: clinical testing. Allele origin: germline.
Comment: This sequence change replaces serine, which is neutral and polar, with asparagine, which is neutral and polar, at codon 1216 of the PTCH1 protein (p.Ser1216Asn). This variant is not present in population databases (gnomAD no frequency). This variant has not been reported in the literature in individuals affected with PTCH1-related conditions. ClinVar contains an entry for this variant (Variation ID: 3427279). Invitae Evidence Modeling of protein sequence and biophysical properties (such as structural, functional, and spatial information, amino acid conservation, physicochemical variation, residue mobility, and thermodynamic stability) indicates that this missense variant is not expected to disrupt PTCH1 protein function with a negative predictive value of 95%. In summary, the available evidence is currently insufficient to determine the role of this variant in disease. Therefore, it has been classified as a Variant of Uncertain Significance.

Ambry Genetics
Classification: Likely benign for Hereditary cancer-predisposing syndrome. Last evaluated: 2024-09-08. Review status: criteria provided, single submitter. Criteria: Ambry Variant Classification Scheme 2023. Collection method: clinical testing. Allele origin: germline.